The following is an entry in ClinVar:

NM_000051.4(ATM):c.4678A>G (p.Lys1560Glu)

Gene: ATM (ATM serine/threonine kinase; plus strand). Cytogenetic location: 11q22.3.
Variant type: single nucleotide variant.
Coding change: c.4678A>G on transcript NM_000051.4 (MANE Select); coding-DNA position 4678, A replaced by G.
Protein change: p.Lys1560Glu; replaces lysine 1560 with glutamic acid.
Molecular consequence: missense variant.
Genome position (GRCh38, 1-based): chr11:108,293,379, A>G. VCF-style: chr11-108293379-A-G. GRCh37 (hg19) VCF-style: chr11-108164106-A-G.
Other names: c.4678A>G, p.Lys1560Glu (NM_001351834.2); short protein forms K1560E.
Identifiers: ClinVar variation 453534 (VCV000453534.11), dbSNP rs767981230, ClinGen allele CA382534733.

ClinVar aggregate classification (germline): Conflicting classifications of pathogenicity. Review status: criteria provided, conflicting classifications (1 of 4 stars). 2 submissions from 2 submitters: Uncertain significance (1); Likely benign (1). Last evaluated 2024-10-03.

Conditions:
Hereditary cancer-predisposing syndrome. Also called: Tumor predisposition; Hereditary Cancer Syndrome; Neoplastic Syndromes, Hereditary; Hereditary neoplastic syndrome. Identifiers: Orphanet 140162, MedGen C0027672, MeSH D009386, MONDO:0015356.
Ataxia-telangiectasia syndrome (AT). Also called: Cerebello-oculocutaneous telangiectasia; Immunodeficiency with ataxia telangiectasia; Ataxia-telangiectasia, complementation group D; AT, COMPLEMENTATION GROUP C; Ataxia-telangiectasia, complementation group E; LOUIS-BAR SYNDROME. Identifiers: Orphanet 100, MedGen C0004135, MONDO:0008840, OMIM 208900.

Allele frequency attached by ClinVar (database versions not stated): gnomAD 0.00001; TOPMed 0.00001.
gnomAD v4.1: 1 of 1,602,480 alleles (0.000062%); highest among the groups gnomAD compares: Non-Finnish European, 0.000085%; no homozygotes.

Submissions (2):

Ambry Genetics
Classification: Likely benign for Hereditary cancer-predisposing syndrome. Last evaluated: 2024-10-03. Review status: criteria provided, single submitter. Criteria: Ambry Variant Classification Scheme 2023. Collection method: clinical testing. Allele origin: germline.

Labcorp Genetics (formerly Invitae), Labcorp
Classification: Uncertain significance for Ataxia-telangiectasia syndrome. Last evaluated: 2022-10-04. Review status: criteria provided, single submitter. Criteria: Invitae Variant Classification Sherloc (09022015). Collection method: clinical testing. Allele origin: germline.
Comment: In summary, the available evidence is currently insufficient to determine the role of this variant in disease. Therefore, it has been classified as a Variant of Uncertain Significance. Algorithms developed to predict the effect of missense changes on protein structure and function (SIFT, PolyPhen-2, Align-GVGD) all suggest that this variant is likely to be tolerated. ClinVar contains an entry for this variant (Variation ID: 453534). This variant has not been reported in the literature in individuals affected with ATM-related conditions. This variant is not present in population databases (gnomAD no frequency). This sequence change replaces lysine, which is basic and polar, with glutamic acid, which is acidic and polar, at codon 1560 of the ATM protein (p.Lys1560Glu).